The following is an entry in ClinVar:

ClinVar aggregate classification (germline): Uncertain significance. Review status: criteria provided, multiple submitters, no conflicts (2 of 4 stars). 2 submissions from 2 submitters: Uncertain significance (2). Last evaluated 2024-06-02.

Conditions:
Inborn genetic diseases. Identifiers: MedGen C0950123, MeSH D030342.

Allele frequency attached by ClinVar (database versions not stated): TOPMed below 0.00001; gnomAD 0.00001.
gnomAD v4.1: 3 of 1,604,670 alleles (0.00019%); highest among the groups gnomAD compares: Admixed American, 0.005%; no homozygotes.

Submissions (2):

Ambry Genetics
Classification: Uncertain significance for Inborn genetic diseases. Last evaluated: 2024-06-02. Review status: criteria provided, single submitter. Criteria: Ambry Variant Classification Scheme 2023. Collection method: clinical testing. Allele origin: germline.

Labcorp Genetics (formerly Invitae), Labcorp
Classification: Uncertain significance. Last evaluated: 2024-01-02. Review status: criteria provided, single submitter. Criteria: Invitae Variant Classification Sherloc (09022015). Collection method: clinical testing. Allele origin: germline.
Comment: This sequence change replaces lysine, which is basic and polar, with isoleucine, which is neutral and non-polar, at codon 378 of the ASAH1 protein (p.Lys378Ile). This variant is present in population databases (no rsID available, gnomAD 0.006%). This variant has not been reported in the literature in individuals affected with ASAH1-related conditions. Advanced modeling of protein sequence and biophysical properties (such as structural, functional, and spatial information, amino acid conservation, physicochemical variation, residue mobility, and thermodynamic stability) performed at Invitae indicates that this missense variant is not expected to disrupt ASAH1 protein function with a negative predictive value of 80%. Algorithms developed to predict the effect of sequence changes on RNA splicing suggest that this variant may disrupt the consensus splice site. In summary, the available evidence is currently insufficient to determine the role of this variant in disease. Therefore, it has been classified as a Variant of Uncertain Significance.

NM_177924.5(ASAH1):c.1133A>T (p.Lys378Ile)

Gene: ASAH1 (N-acylsphingosine amidohydrolase 1; minus strand). Cytogenetic location: 8p22.
Variant type: single nucleotide variant.
Coding change: c.1133A>T on transcript NM_177924.5 (MANE Select); coding-DNA position 1133, A replaced by T.
Protein change: p.Lys378Ile; replaces lysine 378 with isoleucine.
Molecular consequence: missense variant.
Genome position (GRCh38, 1-based): chr8:18,057,589, T>A on the plus strand (A>T on the coding strand, the complement: ASAH1 is on the minus strand). VCF-style: chr8-18057589-T-A. GRCh37 (hg19) VCF-style: chr8-17915098-T-A.
Other names: c.1115A>T, p.Lys372Ile (NM_001127505.3); c.938A>T, p.Lys313Ile (NM_001363743.2); c.1181A>T, p.Lys394Ile (NM_004315.6); c.1133A>T (NM_177924.3); short protein forms K313I, K372I, K394I, K378I.
Identifiers: ClinVar variation 3007666 (VCV003007666.2), dbSNP rs1327644637, ClinGen allele CA370442678.